The following is an entry in ClinVar:

NM_000428.3(LTBP2):c.4642T>C (p.Ser1548Pro)

Gene: LTBP2 (latent transforming growth factor beta binding protein 2; minus strand). Cytogenetic location: 14q24.3.
Variant type: single nucleotide variant.
Coding change: c.4642T>C on transcript NM_000428.3 (MANE Select); coding-DNA position 4642, T replaced by C.
Protein change: p.Ser1548Pro; replaces serine 1548 with proline.
Molecular consequence: missense variant.
Genome position (GRCh38, 1-based): chr14:74,503,547, A>G on the plus strand (T>C on the coding strand, the complement: LTBP2 is on the minus strand). VCF-style: chr14-74503547-A-G. GRCh37 (hg19) VCF-style: chr14-74970250-A-G.
Other names: short protein forms S1548P.
Identifiers: ClinVar variation 1497343 (VCV001497343.3), dbSNP rs2139687920, ClinGen allele CA390385133.

ClinVar aggregate classification (germline): Uncertain significance (1 of 4 stars; one submission).

Submission:

Labcorp Genetics (formerly Invitae), Labcorp
Classification: Uncertain significance. Last evaluated: 2022-07-12. Review status: criteria provided, single submitter. Criteria: Invitae Variant Classification Sherloc (09022015). Collection method: clinical testing. Allele origin: germline.
Comment: This sequence change replaces serine, which is neutral and polar, with proline, which is neutral and non-polar, at codon 1548 of the LTBP2 protein (p.Ser1548Pro). This variant is not present in population databases (gnomAD no frequency). This variant has not been reported in the literature in individuals affected with LTBP2-related conditions. ClinVar contains an entry for this variant (Variation ID: 1497343). Algorithms developed to predict the effect of missense changes on protein structure and function (SIFT, PolyPhen-2, Align-GVGD) all suggest that this variant is likely to be disruptive. In summary, the available evidence is currently insufficient to determine the role of this variant in disease. Therefore, it has been classified as a Variant of Uncertain Significance.